The following is an entry in ClinVar:

ClinVar aggregate classification (germline): Uncertain significance. Review status: criteria provided, multiple submitters, no conflicts (2 of 4 stars). 2 submissions from 2 submitters: Uncertain significance (2). Last evaluated 2023-07-03.

Submissions (2):

Labcorp Genetics (formerly Invitae), Labcorp
Classification: Uncertain significance. Last evaluated: 2023-07-03. Review status: criteria provided, single submitter. Criteria: Invitae Variant Classification Sherloc (09022015). Collection method: clinical testing. Allele origin: germline.
Comment: This variant, c.3915_3929del, results in the deletion of 5 amino acid(s) of the RERE protein (p.Ile1314_Glu1318del), but otherwise preserves the integrity of the reading frame. This variant is present in population databases (rs761312593, gnomAD 0.005%). This variant has not been reported in the literature in individuals affected with RERE-related conditions. ClinVar contains an entry for this variant (Variation ID: 1041841). In summary, the available evidence is currently insufficient to determine the role of this variant in disease. Therefore, it has been classified as a Variant of Uncertain Significance.

Breakthrough Genomics
Classification: Uncertain significance. Review status: criteria provided, single submitter. Criteria: ACMG Guidelines, 2015. Collection method: not provided. Allele origin: germline. Inheritance: Autosomal dominant inheritance. Affected: yes.

NM_001042681.2(RERE):c.3915_3929del (p.1309IRERE[1])

Gene: RERE (arginine-glutamic acid dipeptide repeats; minus strand). Cytogenetic location: 1p36.23.
Variant type: Deletion.
Coding change: c.3915_3929del on transcript NM_001042681.2 (MANE Select); coding-DNA positions 3915 to 3929, 15 bases deleted (GGAGCGGGAGATCCG).
Protein change: p.1309IRERE[1].
Molecular consequence: inframe deletion.
Genome position (GRCh38, 1-based): chr1:8,358,606-8,358,620, CGGATCTCCCGCTCC deleted on the plus strand (GGAGCGGGAGATCCG on the coding strand, the reverse complement: RERE is on the minus strand); deleting any 15 consecutive bases within chr1:8,358,606-8,358,624 gives the same sequence; the c. name uses the placement nearest the transcript's 3' end. VCF-style (leftmost placement, unchanged base first): chr1-8358605-TCGGATCTCCCGCTCC-T. GRCh37 (hg19) VCF-style: chr1-8418665-TCGGATCTCCCGCTCC-T.
Other names: c.2253_2267del, p.755IRERE[1] (NM_001042682.2); c.3915_3929del, p.1309IRERE[1] (NM_012102.4).
Identifiers: ClinVar variation 1041841 (VCV001041841.9), dbSNP rs761312593, ClinGen allele CA570948.